The following is an entry in ClinVar:

ClinVar aggregate classification (germline): Uncertain significance (1 of 4 stars; one submission).

gnomAD v4.1: 2 of 1,611,790 alleles (0.00012%); no homozygotes.

Submission:

Labcorp Genetics (formerly Invitae), Labcorp
Classification: Uncertain significance. Last evaluated: 2022-08-16. Review status: criteria provided, single submitter. Criteria: Invitae Variant Classification Sherloc (09022015). Collection method: clinical testing. Allele origin: germline.
Comment: This sequence change replaces glycine, which is neutral and non-polar, with arginine, which is basic and polar, at codon 330 of the SEC61A1 protein (p.Gly330Arg). This variant is not present in population databases (gnomAD no frequency). This variant has not been reported in the literature in individuals affected with SEC61A1-related conditions. ClinVar contains an entry for this variant (Variation ID: 1409777). Algorithms developed to predict the effect of missense changes on protein structure and function are either unavailable or do not agree on the potential impact of this missense change (SIFT: "Deleterious"; PolyPhen-2: "Benign"; Align-GVGD: "Class C15"). Algorithms developed to predict the effect of sequence changes on RNA splicing suggest that this variant may create or strengthen a splice site. In summary, the available evidence is currently insufficient to determine the role of this variant in disease. Therefore, it has been classified as a Variant of Uncertain Significance.

NM_013336.4(SEC61A1):c.988G>A (p.Gly330Arg)

Genes: RUVBL1 (RuvB like AAA ATPase 1; minus strand), SEC61A1 (SEC61 translocon subunit alpha 1; plus strand). Cytogenetic location: 3q21.3.
Variant type: single nucleotide variant.
Coding change: c.988G>A on transcript NM_013336.4 (MANE Select); coding-DNA position 988, G replaced by A.
Protein change: p.Gly330Arg; replaces glycine 330 with arginine.
Molecular consequence: missense variant. On other transcripts: intron variant (1).
Genome position (GRCh38, 1-based): chr3:128,067,433, G>A. VCF-style: chr3-128067433-G-A. GRCh37 (hg19) VCF-style: chr3-127786276-G-A.
Other names: c.1006G>A, p.Gly336Arg (NM_001400328.1); c.829G>A, p.Gly277Arg (NM_001400329.1); c.940-2213C>T (NM_001319086.1); short protein forms G330R, G277R, G336R.
Identifiers: ClinVar variation 1409777 (VCV001409777.7), dbSNP rs2107651595, ClinGen allele CA354400322.